The following is an entry in ClinVar:

NM_006514.4(SCN10A):c.5560T>C (p.Ser1854Pro)

Gene: SCN10A (sodium voltage-gated channel alpha subunit 10; minus strand). Cytogenetic location: 3p22.2.
Variant type: single nucleotide variant.
Coding change: c.5560T>C on transcript NM_006514.4 (MANE Select); coding-DNA position 5560, T replaced by C.
Protein change: p.Ser1854Pro; replaces serine 1854 with proline.
Molecular consequence: missense variant.
Genome position (GRCh38, 1-based): chr3:38,697,660, A>G on the plus strand (T>C on the coding strand, the complement: SCN10A is on the minus strand). VCF-style: chr3-38697660-A-G. GRCh37 (hg19) VCF-style: chr3-38739151-A-G.
Other names: c.5557T>C, p.Ser1853Pro (NM_001293306.2); c.5266T>C, p.Ser1756Pro (NM_001293307.2); short protein forms S1756P, S1853P, S1854P.
Identifiers: ClinVar variation 1748311 (VCV001748311.2), dbSNP rs2470549951, ClinGen allele CA352152941.

ClinVar aggregate classification (germline): Uncertain significance (1 of 4 stars; one submission).

Conditions:
Cardiovascular phenotype. Identifiers: MedGen CN230736.

Submission:

Ambry Genetics
Classification: Uncertain significance for Cardiovascular phenotype. Last evaluated: 2022-04-21. Review status: criteria provided, single submitter. Criteria: Ambry Variant Classification Scheme 2023. Collection method: clinical testing. Allele origin: germline.
Comment: The p.S1854P variant (also known as c.5560T>C), located in coding exon 27 of the SCN10A gene, results from a T to C substitution at nucleotide position 5560. The serine at codon 1854 is replaced by proline, an amino acid with similar properties. This amino acid position is conserved. In addition, this alteration is predicted to be deleterious by in silico analysis. Since supporting evidence is limited at this time, the clinical significance of this alteration remains unclear.